The following is an entry in ClinVar:

NM_000104.4(CYP1B1):c.1310C>G (p.Pro437Arg)

Genes: CYP1B1 (cytochrome P450 family 1 subfamily B member 1; minus strand), LOC128772254 (melanoma risk locus-associated MPRA allelic enhancer 2:38298139; plus strand). Cytogenetic location: 2p22.2.
Variant type: single nucleotide variant.
Coding change: c.1310C>G on transcript NM_000104.4 (MANE Select); coding-DNA position 1310, C replaced by G.
Protein change: p.Pro437Arg; replaces proline 437 with arginine.
Molecular consequence: missense variant.
Genome position (GRCh38, 1-based): chr2:38,071,044, G>C on the plus strand (C>G on the coding strand, the complement: CYP1B1 is on the minus strand). VCF-style: chr2-38071044-G-C. GRCh37 (hg19) VCF-style: chr2-38298187-G-C.
Other names: short protein forms P437R.
Identifiers: ClinVar variation 4688934 (VCV004688934.1).

ClinVar aggregate classification (germline): Uncertain significance (1 of 4 stars; one submission).

Submission:

Women's Health and Genetics/Laboratory Corporation of America, LabCorp
Classification: Uncertain significance. Last evaluated: 2025-12-19. Review status: criteria provided, single submitter. Criteria: LabCorp Variant Classification Summary - May 2015. Collection method: clinical testing. Allele origin: germline.
Comment: Variant summary: CYP1B1 c.1310C>G (p.Pro437Arg) results in a non-conservative amino acid change in the encoded protein sequence. Algorithms developed to predict the effect of missense changes on protein structure and function all suggest that this variant is likely to be disruptive. The variant was absent in 251420 control chromosomes (gnomAD). The available data on variant occurrences in the general population are insufficient to allow any conclusion about variant significance. To our knowledge, no occurrence of c.1310C>G in individuals affected with CYP1B1-related conditions and no experimental evidence demonstrating its impact on protein function have been reported. No submitters have cited clinical-significance assessments for this variant to ClinVar. Based on the evidence outlined above, the variant was classified as uncertain significance.